The following is an entry in ClinVar:

NM_032638.5(GATA2):c.414_417del (p.Ser139fs)

Gene: GATA2 (GATA binding protein 2; minus strand). Cytogenetic location: 3q21.3.
Variant type: Microsatellite.
Coding change: c.414_417del on transcript NM_032638.5 (MANE Select); coding-DNA positions 414 to 417, 4 bases deleted (CTCT; older notation c.414_417delCTCT).
Protein change: p.Ser139fs; shifts the reading frame from serine 139.
Molecular consequence: frameshift variant.
Genome position (GRCh38, 1-based): chr3:128,486,181-128,486,184, AGAG deleted on the plus strand (CTCT on the coding strand, the reverse complement: GATA2 is on the minus strand); deleting any 4 consecutive bases within chr3:128,486,181-128,486,186 gives the same sequence; the c. name uses the placement nearest the transcript's 3' end. VCF-style (leftmost placement, unchanged base first): chr3-128486180-CAGAG-C. GRCh37 (hg19) VCF-style: chr3-128205023-CAGAG-C.
Other names: c.414_417del, p.Ser139fs (NM_001145661.2, NM_001145662.1); short protein forms S139fs.
Identifiers: ClinVar variation 1184205 (VCV001184205.1), dbSNP rs2107672708, ClinGen allele CA1139532784.

ClinVar aggregate classification (germline): Pathogenic (1 of 4 stars; one submission).

Conditions:
Deafness-lymphedema-leukemia syndrome. Also called: Emberger syndrome; Lymphedema, primary, with myelodysplasia. Identifiers: Orphanet 3226, MedGen C3279664, MONDO:0013540, OMIM 614038.
GATA2 deficiency with susceptibility to MDS/AML. Identifiers: MedGen CN300066, MONDO:0042982.

Submission:

Molecular Pathology Research Laboratory, SA Pathology
Classification: Pathogenic for GATA2 deficiency with susceptibility to MDS/AML; Deafness-lymphedema-leukemia syndrome. Last evaluated: 2021-07-06. Review status: criteria provided, single submitter. Criteria: ACMG Guidelines, 2015. Collection method: curation. Allele origin: unknown. Inheritance: Autosomal dominant inheritance. Affected: yes. Observed: 1 variant allele.
Comment: PVS1, PS4_Supporting, PM2

Literature cited by the submitters: PubMed 29906059.